The following is an entry in ClinVar:

NM_078470.6(COX15):c.91-3T>C

Gene: COX15 (cytochrome c oxidase assembly homolog COX15; minus strand). Cytogenetic location: 10q24.2.
Variant type: single nucleotide variant.
Coding change: c.91-3T>C on transcript NM_078470.6 (MANE Select); 3 bases into the intron before coding-DNA position 91, T replaced by C.
Molecular consequence: intron variant.
Genome position (GRCh38, 1-based): chr10:99,729,737, A>G on the plus strand (T>C on the coding strand, the complement: COX15 is on the minus strand). VCF-style: chr10-99729737-A-G. GRCh37 (hg19) VCF-style: chr10-101489494-A-G.
Other names: c.91-3T>C (NM_001320974.2, NM_001372026.1, NM_001372028.1 and 5 more transcripts); c.-364-3T>C (NM_001320976.2).
Identifiers: ClinVar variation 2251710 (VCV002251710.2), dbSNP rs1441632116, ClinGen allele CA595441224.

ClinVar aggregate classification (germline): Uncertain significance (1 of 4 stars; one submission).

Conditions:
Inborn genetic diseases. Identifiers: MedGen C0950123, MeSH D030342.

Allele frequency attached by ClinVar (database versions not stated): gnomAD exomes below 0.00001; gnomAD 0.00002; TOPMed 0.00002.

Submission:

Ambry Genetics
Classification: Uncertain significance for Inborn genetic diseases. Last evaluated: 2021-10-28. Review status: criteria provided, single submitter. Criteria: Ambry Variant Classification Scheme 2023. Collection method: clinical testing. Allele origin: germline.
Comment: The c.91-3T>C intronic alteration consists of a T to C substitution 3 nucleotides before coding exon 2 in the COX15 gene. Based on insufficient or conflicting evidence, the clinical significance of this alteration remains unclear.